The following is an entry in ClinVar:

NM_001855.5(COL15A1):c.3002A>G (p.Lys1001Arg)

Gene: COL15A1 (collagen type XV alpha 1 chain; plus strand). Cytogenetic location: 9q22.33.
Variant type: single nucleotide variant.
Coding change: c.3002A>G on transcript NM_001855.5 (MANE Select); coding-DNA position 3002, A replaced by G.
Protein change: p.Lys1001Arg; replaces lysine 1001 with arginine.
Molecular consequence: missense variant.
Genome position (GRCh38, 1-based): chr9:99,054,627, A>G. VCF-style: chr9-99054627-A-G. GRCh37 (hg19) VCF-style: chr9-101816909-A-G.
Other names: short protein forms K1001R.
Identifiers: ClinVar variation 3042058 (VCV003042058.2), dbSNP rs35544077, ClinGen allele CA5155711.
Genomic context (GRCh38, chr9:99,054,627, plus strand): 5'-TGGTGGCAGGTGTTAAAGGAGAGAAAGGATCCTGGGGTCTTCCTGGCTCAAAGGGAGAAA[A>G]AGGCGACCAGGGAGCCCAGGGACCACCAGGTATTCCAGCTCTTGTTCTCAATCTTGCCTT-3'
Protein context (NP_001846.3, residues 991-1011): SWGLPGSKGE[Lys1001Arg]GDQGAQGPPG

ClinVar aggregate classification (germline): Benign (0 of 4 stars; one submission).

Conditions:
COL15A1-related disorder. Also called: COL15A1-related condition.

Allele frequency attached by ClinVar (database versions not stated): ESP Exome Variant Server 0.00584; TOPMed 0.00591; gnomAD 0.00602; 1000 Genomes Project 30x 0.00796; 1000 Genomes Project 0.00819; gnomAD exomes 0.00855; ExAC 0.01057.
gnomAD v4.1: 13,552 of 1,613,292 alleles (0.84%); highest among the groups gnomAD compares: South Asian, 3%; 132 homozygotes.

Submission:

PreventionGenetics, part of Exact Sciences
Classification: Benign for COL15A1-related condition. Last evaluated: 2019-03-08. Review status: no assertion criteria provided. Collection method: clinical testing. Allele origin: germline.
Comment: This variant is classified as benign based on ACMG/AMP sequence variant interpretation guidelines (Richards et al. 2015 PMID: 25741868, with internal and published modifications).